The following is an entry in ClinVar:

NM_016203.4(PRKAG2):c.1453A>G (p.Lys485Glu)

Gene: PRKAG2 (protein kinase AMP-activated non-catalytic subunit gamma 2; minus strand). Cytogenetic location: 7q36.1.
Variant type: single nucleotide variant.
Coding change: c.1453A>G on transcript NM_016203.4 (MANE Select); coding-DNA position 1453, A replaced by G.
Protein change: p.Lys485Glu; replaces lysine 485 with glutamic acid.
Molecular consequence: missense variant.
Genome position (GRCh38, 1-based): chr7:151,564,209, T>C on the plus strand (A>G on the coding strand, the complement: PRKAG2 is on the minus strand). VCF-style: chr7-151564209-T-C. GRCh37 (hg19) VCF-style: chr7-151261295-T-C.
Other names: c.1321A>G, p.Lys441Glu (NM_001040633.2, NM_001407024.1); c.1078A>G, p.Lys360Glu (NM_001304527.2, NM_001407029.1); c.730A>G, p.Lys244Glu (NM_001304531.2, NM_001407034.1, NM_001407035.1 and 1 more transcripts); c.1081A>G, p.Lys361Glu (NM_001363698.2, NM_001407028.1); c.1453A>G, p.Lys485Glu (NM_001407021.1); c.1450A>G, p.Lys484Glu (NM_001407022.1, NM_001407023.1); c.1318A>G, p.Lys440Glu (NM_001407026.1, NM_001407027.1); c.1165A>G, p.Lys389Glu (NM_001407030.1); and 6 more; short protein forms K264E, K377E, K244E, K360E, K361E, K389E, K485E, K243E.
Identifiers: ClinVar variation 2136632 (VCV002136632.4), dbSNP rs2536276180, ClinGen allele CA370070711.

ClinVar aggregate classification (germline): Pathogenic (1 of 4 stars; one submission).

Conditions:
Lethal congenital glycogen storage disease of heart. Also called: PHOSPHORYLASE KINASE DEFICIENCY OF HEART; GLYCOGEN STORAGE DISEASE OF HEART. Identifiers: Orphanet 439854, MedGen C1849813, MONDO:0009867, OMIM 261740.

Submission:

Labcorp Genetics (formerly Invitae), Labcorp
Classification: Pathogenic for Lethal congenital glycogen storage disease of heart. Last evaluated: 2022-05-27. Review status: criteria provided, single submitter. Criteria: Invitae Variant Classification Sherloc (09022015). Collection method: clinical testing. Allele origin: germline.
Comment: This sequence change replaces lysine, which is basic and polar, with glutamic acid, which is acidic and polar, at codon 485 of the PRKAG2 protein (p.Lys485Glu). This variant is not present in population databases (gnomAD no frequency). This missense change has been observed in individual(s) with PRKAG2-related conditions (PMID: 23741347). In at least one individual the variant was observed to be de novo. Advanced modeling of protein sequence and biophysical properties (such as structural, functional, and spatial information, amino acid conservation, physicochemical variation, residue mobility, and thermodynamic stability) performed at Invitae indicates that this missense variant is expected to disrupt PRKAG2 protein function. For these reasons, this variant has been classified as Pathogenic.

Literature cited by the submitters: PubMed 23741347.